The following is an entry in ClinVar:

NM_000478.6(ALPL):c.61G>A (p.Glu21Lys)

Gene: ALPL (alkaline phosphatase, biomineralization associated; plus strand). Cytogenetic location: 1p36.12.
Variant type: single nucleotide variant.
Coding change: c.61G>A on transcript NM_000478.6 (MANE Select); coding-DNA position 61, G replaced by A.
Protein change: p.Glu21Lys; replaces glutamic acid 21 with lysine.
Molecular consequence: missense variant. On other transcripts: intron variant (2).
Genome position (GRCh38, 1-based): chr1:21,554,142, G>A. VCF-style: chr1-21554142-G-A. GRCh37 (hg19) VCF-style: chr1-21880635-G-A.
Other names: c.61G>A, p.Glu21Lys (NM_001369803.2, NM_001369804.2, NM_001369805.2); c.-104-6484G>A (NM_001127501.4); c.-54-6484G>A (NM_001177520.3); short protein forms E21K.
Identifiers: ClinVar variation 556427 (VCV000556427.3), dbSNP rs1553410728, ClinGen allele CA338876534.

ClinVar aggregate classification (germline): Uncertain significance. Review status: criteria provided, single submitter (1 of 4 stars). 2 submissions from 2 submitters: Uncertain significance (1). 1 of the submissions does not count toward it. Last evaluated 2025-08-29.

Conditions:
Infantile hypophosphatasia. Identifiers: Orphanet 247651, Orphanet 436, MedGen C0268412, MONDO:1010169, OMIM 241500, MONDO:0009427.
Hypophosphatasia. Also called: Phosphoethanol-aminuria. Identifiers: Orphanet 436, MedGen C0020630, MeSH D007014, MONDO:0018570.

Submissions (2):

Genomenon, Inc
Classification: Uncertain significance for Hypophosphatasia. Last evaluated: 2025-08-29. Review status: criteria provided, single submitter. Criteria: Genomenon Sequence Variant Interpretation Standards. Collection method: curation. Allele origin: germline. Affected: yes.
Comment: ALPL c.61G>A is a missense variant that changes the amino acid at residue 21 from Glutamic acid to Lysine. This variant has been observed in at least one proband affected with hypophosphatasia (PMID:28127875). It is absent or not present at a significant frequency in gnomAD. In silico models agree that this variant is possibly or probably damaging. In conclusion, we classify ALPL p.Glu21Lys (c.61G>A) as a variant of unknown significance.

Counsyl
Classification: Uncertain significance for Infantile hypophosphatasia. Last evaluated: 2018-02-05. Review status: no assertion criteria provided. Collection method: clinical testing. Allele origin: unknown. Not counted in ClinVar's aggregate classification.

Literature cited by the submitters: PubMed 28127875 (cited by Genomenon, Inc and Counsyl).